The following is an entry in ClinVar:

NM_025207.5(FLAD1):c.977C>A (p.Thr326Asn)

Gene: FLAD1 (flavin adenine dinucleotide synthetase 1; plus strand). Cytogenetic location: 1q21.3.
Variant type: single nucleotide variant.
Coding change: c.977C>A on transcript NM_025207.5 (MANE Select); coding-DNA position 977, C replaced by A.
Protein change: p.Thr326Asn; replaces threonine 326 with asparagine.
Molecular consequence: missense variant.
Genome position (GRCh38, 1-based): chr1:154,988,709, C>A. VCF-style: chr1-154988709-C-A. GRCh37 (hg19) VCF-style: chr1-154961185-C-A.
Other names: c.686C>A, p.Thr229Asn (NM_001184891.2, NM_201398.3); c.680C>A, p.Thr227Asn (NM_001184892.2); c.977C>A (NM_025207.4); short protein forms T227N, T326N, T229N.
Identifiers: ClinVar variation 1424084 (VCV001424084.5), dbSNP rs377493959, ClinGen allele CA1134441.
Genomic context (GRCh38, chr1:154,988,709, plus strand): 5'-GTAGGCTTGGCCTGGGTTCCTACCCTGACTGGGGCAGCAACTACTATCAGGTGAAGCTGA[C>A]TCTAGACTCAGAGGAAGAAGGACCCCTGGAGGAATGCTTGGCCTACCTGACTGCCCGTTT-3'
Protein context (NP_079483.3, residues 316-336): WGSNYYQVKL[Thr326Asn]LDSEEEGPLE

ClinVar aggregate classification (germline): Uncertain significance. Review status: criteria provided, multiple submitters, no conflicts (2 of 4 stars). 3 submissions from 3 submitters: Uncertain significance (3). Last evaluated 2025-06-16.

Conditions:
Inborn genetic diseases. Identifiers: MedGen C0950123, MeSH D030342.

Allele frequency attached by ClinVar (database versions not stated): gnomAD exomes 0.00008; gnomAD 0.00011; TOPMed 0.00011; ExAC 0.00007; ESP Exome Variant Server 0.00015.
gnomAD v4.1: 146 of 1,614,090 alleles (0.009%); highest among the groups gnomAD compares: Admixed American, 0.025%; no homozygotes.

Submissions (3):

GeneDx
Classification: Uncertain significance. Last evaluated: 2025-06-16. Review status: criteria provided, single submitter. Criteria: GeneDx Variant Classification Process June 2021. Collection method: clinical testing. Allele origin: germline. Affected: yes.
Comment: Has not been previously published as pathogenic or benign to our knowledge; In silico analysis supports that this missense variant has a deleterious effect on protein structure/function

Ambry Genetics
Classification: Uncertain significance for Inborn genetic diseases. Last evaluated: 2025-01-24. Review status: criteria provided, single submitter. Criteria: Ambry Variant Classification Scheme 2023. Collection method: clinical testing. Allele origin: germline.

Labcorp Genetics (formerly Invitae), Labcorp
Classification: Uncertain significance. Last evaluated: 2022-07-26. Review status: criteria provided, single submitter. Criteria: Invitae Variant Classification Sherloc (09022015). Collection method: clinical testing. Allele origin: germline.
Comment: This sequence change replaces threonine, which is neutral and polar, with asparagine, which is neutral and polar, at codon 326 of the FLAD1 protein (p.Thr326Asn). This variant is present in population databases (rs377493959, gnomAD 0.03%). This variant has not been reported in the literature in individuals affected with FLAD1-related conditions. ClinVar contains an entry for this variant (Variation ID: 1424084). Algorithms developed to predict the effect of missense changes on protein structure and function are either unavailable or do not agree on the potential impact of this missense change (SIFT: "Deleterious"; PolyPhen-2: "Possibly Damaging"; Align-GVGD: "Class C0"). In summary, the available evidence is currently insufficient to determine the role of this variant in disease. Therefore, it has been classified as a Variant of Uncertain Significance.